The following is an entry in ClinVar:

Conditions:
Long QT syndrome 5 (LQT5). Identifiers: Orphanet 101016, Orphanet 768, MedGen C1867904, MONDO:0013372, OMIM 613695.

Submission:

Roden Lab, Vanderbilt University Medical Center
No classification provided (evidence only). Condition: Long QT syndrome 5. Review status: no classification provided. Collection method: in vitro. Allele origin: not applicable. Functional consequence: Effect on ion channel function.
ClinVar note: "not provided" was previously submitted as the classification for the variant. However, the classification appeared to be based only on an observation of functional data so it was converted to no classification on 2025-07-30.

NM_000219.6(KCNE1):c.195C>T (p.Tyr65=)

Gene: KCNE1 (potassium voltage-gated channel subfamily E regulatory subunit 1; minus strand). Cytogenetic location: 21q22.12.
Variant type: single nucleotide variant.
Coding change: c.195C>T on transcript NM_000219.6 (MANE Select); coding-DNA position 195, C replaced by T.
Protein change: p.Tyr65=; no amino-acid change (tyrosine 65 retained).
Molecular consequence: synonymous variant.
Genome position (GRCh38, 1-based): chr21:34,449,440, G>A on the plus strand (C>T on the coding strand, the complement: KCNE1 is on the minus strand). VCF-style: chr21-34449440-G-A. GRCh37 (hg19) VCF-style: chr21-35821738-G-A.
Other names: c.195C>T, p.Tyr65= (NM_001127668.4, NM_001127669.4, NM_001127670.4 and 4 more transcripts).
Identifiers: ClinVar variation 3374302 (VCV003374302.2).